The following is an entry in ClinVar:

ClinVar aggregate classification (germline): Uncertain significance (1 of 4 stars; one submission).

Submission:

Women's Health and Genetics/Laboratory Corporation of America, LabCorp
Classification: Uncertain significance. Last evaluated: 2024-09-30. Review status: criteria provided, single submitter. Criteria: LabCorp Variant Classification Summary - May 2015. Collection method: clinical testing. Allele origin: germline.
Comment: Variant summary: The variant involves the duplication of exons 1-13 in the PALB2 gene. A presumed nomenclature of c.(?_-154)_(*295_?)dup has been designated for the purposes of this classification. This duplication includes the entire coding sequence of the gene. As exact breakpoints are unknown, it may extend beyond the annotated region of the gene, to include other flanking genes. The variant was absent in 120752 control chromosomes in the gnomAD database (Structural Variants v4.1 dataset). The available data on variant occurrences in the general population are insufficient to allow any conclusion about variant significance. To our knowledge, no occurrence of c.(?_-154)_(*295_?)dup in individuals affected with Hereditary Breast And Ovarian Cancer Syndrome and no experimental evidence demonstrating its impact on protein function have been reported. ClinVar contains an entry for this variant (Variation ID: 1042680). Based on the evidence outlined above, the variant was classified as uncertain significance.

NC_000016.9:g.(?_23614485)_(23652632_?)dup

Gene: PALB2 (partner and localizer of BRCA2; minus strand). Cytogenetic location: 16p12.2.
Variant type: Duplication.
Identifiers: ClinVar variation 3375411 (VCV003375411.1).